The following is an entry in ClinVar:

NM_001165967.2(HES7):c.591C>T (p.Pro197=)

Genes: HES7 (hes family bHLH transcription factor 7; minus strand), LOC130060203 (ATAC-STARR-seq lymphoblastoid silent region 8155; plus strand). Cytogenetic location: 17p13.1.
Variant type: single nucleotide variant.
Coding change: c.591C>T on transcript NM_001165967.2 (MANE Select); coding-DNA position 591, C replaced by T.
Protein change: p.Pro197=; no amino-acid change (proline 197 retained).
Molecular consequence: synonymous variant.
Genome position (GRCh38, 1-based): chr17:8,121,673, G>A on the plus strand (C>T on the coding strand, the complement: HES7 is on the minus strand). VCF-style: chr17-8121673-G-A. GRCh37 (hg19) VCF-style: chr17-8024991-G-A.
Other names: c.576C>T, p.Pro192= (NM_032580.4).
Identifiers: ClinVar variation 288808 (VCV000288808.33), dbSNP rs558811781, ClinGen allele CA8368614.

ClinVar aggregate classification (germline): Conflicting classifications of pathogenicity. Review status: criteria provided, conflicting classifications (1 of 4 stars). 5 submissions from 5 submitters: Uncertain significance (1); Benign (1); Likely benign (2). 1 of the submissions does not count toward it. Last evaluated 2026-01-17.

Conditions:
HES7-related disorder. Also called: HES7-related condition.

Allele frequency attached by ClinVar (database versions not stated): ExAC below 0.00001; gnomAD exomes 0.00069; 1000 Genomes Project 0.00319; gnomAD 0.00326 and 0.00342; 1000 Genomes Project 30x 0.00359; TOPMed 0.00476.
gnomAD v4.1: 1,605 of 1,327,368 alleles (0.12%); highest among the groups gnomAD compares: Middle Eastern, 1.1%; 8 homozygotes.

Submissions (5):

Labcorp Genetics (formerly Invitae), Labcorp
Classification: Benign. Last evaluated: 2026-01-17. Review status: criteria provided, single submitter. Criteria: Invitae Variant Classification Sherloc (09022015). Collection method: clinical testing. Allele origin: germline.

Blueprint Genetics
Classification: Likely benign. Last evaluated: 2024-11-20. Review status: criteria provided, single submitter. Criteria: ACMG Guidelines, 2015. Collection method: clinical testing. Allele origin: germline.

CeGaT Center for Human Genetics Tuebingen
Classification: Likely benign. Last evaluated: 2024-10-01. Review status: criteria provided, single submitter. Criteria: CeGaT Center For Human Genetics Tuebingen Variant Classification Criteria Version 2. Collection method: clinical testing. Allele origin: germline. Affected: yes. Observed: 1 variant allele.
Comment: HES7: BP4, BP7

Eurofins Ntd Llc (ga)
Classification: Uncertain significance. Last evaluated: 2016-06-28. Review status: criteria provided, single submitter. Criteria: EGL Classification Definitions 2015. Collection method: clinical testing. Allele origin: germline. Observed: 1 variant allele, 1 heterozygote.

PreventionGenetics, part of Exact Sciences
Classification: Likely benign for HES7-related condition. Last evaluated: 2023-12-11. Review status: no assertion criteria provided. Collection method: clinical testing. Allele origin: germline. Not counted in ClinVar's aggregate classification.
Comment: This variant is classified as likely benign based on ACMG/AMP sequence variant interpretation guidelines (Richards et al. 2015 PMID: 25741868, with internal and published modifications).